The following is an entry in ClinVar:

ClinVar aggregate classification (germline): Pathogenic/Likely pathogenic. Review status: criteria provided, multiple submitters, no conflicts (2 of 4 stars). 6 submissions from 6 submitters: Pathogenic (5); Likely pathogenic (1). Last evaluated 2024-07-14.

Conditions:
Congenital myopathy 4A, autosomal dominant (CMYO4A). Identifiers: MedGen CN178536, MONDO:0800341, OMIM 255310.
Eichsfeld type congenital muscular dystrophy (CMYO3). Also called: Rigid spine muscular dystrophy 1; MYOPATHY, SEPN1-RELATED; SELENON-related myopathy; Congenital myopathy 3 with rigid spine. Identifiers: MedGen C0410180, MONDO:0100100, OMIM 602771.

Submissions (6):

Palindrome, Gene Kavoshgaran Aria
Classification: Pathogenic for Eichsfeld type congenital muscular dystrophy. Last evaluated: 2024-07-14. Review status: criteria provided, single submitter. Criteria: ACMG Guidelines, 2015. Collection method: clinical testing. Allele origin: germline. Inheritance: Autosomal recessive inheritance. Affected: yes. Observed: 1 homozygote.

Fulgent Genetics
Classification: Likely pathogenic for Eichsfeld type congenital muscular dystrophy. Last evaluated: 2024-06-07. Review status: criteria provided, single submitter. Criteria: ACMG Guidelines, 2015. Collection method: clinical testing. Allele origin: germline.

Labcorp Genetics (formerly Invitae), Labcorp
Classification: Pathogenic for Eichsfeld type congenital muscular dystrophy. Last evaluated: 2024-04-09. Review status: criteria provided, single submitter. Criteria: Invitae Variant Classification Sherloc (09022015). Collection method: clinical testing. Allele origin: germline.
Comment: This sequence change creates a premature translational stop signal (p.Asn483Thrfs*11) in the SELENON gene. It is expected to result in an absent or disrupted protein product. Loss-of-function variants in SELENON are known to be pathogenic (PMID: 21131290, 21670436). This variant is not present in population databases (gnomAD no frequency). This premature translational stop signal has been observed in individual(s) with congenital muscular dystrophy (PMID: 11528383, 32864802). This variant is also known as frameshift at L482. ClinVar contains an entry for this variant (Variation ID: 1180703). For these reasons, this variant has been classified as Pathogenic.

Kariminejad - Najmabadi Pathology & Genetics Center
Classification: Pathogenic for Eichsfeld type congenital muscular dystrophy. Last evaluated: 2024-04-04. Review status: criteria provided, single submitter. Criteria: ACMG Guidelines, 2015. Collection method: clinical testing. Allele origin: germline. Inheritance: Autosomal recessive inheritance. Affected: yes.
Comment: (PM2, PVS1, PS3-supporting)

Institute of Human Genetics, University of Leipzig Medical Center
Classification: Pathogenic for Eichsfeld type congenital muscular dystrophy. Last evaluated: 2023-10-23. Review status: criteria provided, single submitter. Criteria: ACMG Guidelines, 2015. Collection method: clinical testing. Allele origin: unknown. Inheritance: Autosomal recessive inheritance. Affected: yes.
Comment: Criteria applied: PVS1,PP4_VSTR,PM2_SUP_STR

Neuberg Centre For Genomic Medicine, NCGM
Classification: Pathogenic for Congenital myopathy 4A, autosomal dominant. Review status: criteria provided, single submitter. Criteria: ACMG Guidelines, 2015. Collection method: clinical testing. Allele origin: germline. Inheritance: Autosomal recessive inheritance. Affected: yes.
Comment: The frameshift variant c.1446del in SELENON gene has been reported previously in homozygous state in affected individuals with Myopathy, congenital, with fiber-type disproportion. Experimental studies reveal that this mutation is responsible for 4% decrease of SelN mRNA level in fibroblast derived from the affected individual (Allamand V et al.). The p.Asn483ThrfsTer variant is novel (not in any individuals) in gnomAD Exomes and is novel (not in any individuals) in 1000 Genomes. This variant is predicted to cause loss of normal protein function through protein truncation. Loss of function variants have been previously reported to be disease causing. For these reasons, this variant has been classified as Pathogenic.

Literature cited by the submitters: PubMed 21131290 (cited by Labcorp Genetics (formerly Invitae), Labcorp); PubMed 21670436 (cited by Labcorp Genetics (formerly Invitae), Labcorp); PubMed 11528383 (cited by Labcorp Genetics (formerly Invitae), Labcorp); PubMed 32864802 (cited by Labcorp Genetics (formerly Invitae), Labcorp).

NM_206926.2(SELENON):c.1344del (p.Asn449fs)

Gene: SELENON (selenoprotein N; plus strand). Cytogenetic location: 1p36.11.
Variant type: Deletion.
Coding change: c.1344del on transcript NM_206926.2 (MANE Select); coding-DNA position 1344, one base deleted (C; older notation c.1344delC).
Protein change: p.Asn449fs; shifts the reading frame from asparagine 449.
Molecular consequence: frameshift variant.
Genome position (GRCh38, 1-based): chr1:25,813,939, C deleted. VCF-style (leftmost placement, unchanged base first): chr1-25813938-TC-T. GRCh37 (hg19) VCF-style: chr1-26140429-TC-T.
Other names: c.1446del, p.Asn483fs (NM_020451.3); c.1446delC (NM_020451.3); short protein forms N449fs, N483fs.
Identifiers: ClinVar variation 1180703 (VCV001180703.8), dbSNP rs2124454648, ClinGen allele CA2573051549.